The following is an entry in ClinVar:

ClinVar aggregate classification (germline): Likely benign (1 of 4 stars; one submission).

Conditions:
Retinitis pigmentosa (RP). Identifiers: Orphanet 791, MedGen C0035334, MeSH D012174, MONDO:0019200, OMIM 268000. Inheritance: Autosomal dominant, autosomal recessive and X linked inheritance.

Allele frequency attached by ClinVar (database versions not stated): gnomAD 0.00638 and 0.00686; TOPMed 0.00702; 1000 Genomes Project 0.00819; 1000 Genomes Project 30x 0.00937.

Submission:

Illumina Laboratory Services, Illumina
Classification: Likely benign for Retinitis pigmentosa. Last evaluated: 2018-01-13. Review status: criteria provided, single submitter. Criteria: ICSL Variant Classification Criteria 13 December 2019. Collection method: clinical testing. Allele origin: germline.
Comment: This variant was observed in the ICSL laboratory as part of a predisposition screen in an ostensibly healthy population. It had not been previously curated by ICSL or reported in the Human Gene Mutation Database (HGMD: prior to June 1st, 2018), and was therefore a candidate for classification through an automated scoring system. Utilizing variant allele frequency, disease prevalence and penetrance estimates, and inheritance mode, an automated score was calculated to assess if this variant is too frequent to cause the disease. Based on the score and internal cut-off values, a variant classified as likely benign is not then subjected to further curation. The score for this variant resulted in a classification of likely benign for this disease.

NM_001029883.3(PCARE):c.*778A>T

Gene: PCARE (photoreceptor cilium actin regulator; minus strand). Cytogenetic location: 2p23.2.
Variant type: single nucleotide variant.
Coding change: c.*778A>T on transcript NM_001029883.3 (MANE Select); 778 bases downstream of the stop codon, A replaced by T.
Molecular consequence: 3 prime UTR variant.
Genome position (GRCh38, 1-based): chr2:29,064,091, T>A on the plus strand (A>T on the coding strand, the complement: PCARE is on the minus strand). VCF-style: chr2-29064091-T-A. GRCh37 (hg19) VCF-style: chr2-29286957-T-A.
Identifiers: ClinVar variation 898887 (VCV000898887.4), dbSNP rs114774220, ClinGen allele CA44632443.